The following is an entry in ClinVar:

NM_006767.4(LZTR1):c.315_320+11del

Gene: LZTR1 (leucine zipper like post translational regulator 1; plus strand). Cytogenetic location: 22q11.21.
Variant type: Deletion.
Coding change: c.315_320+11del on transcript NM_006767.4 (MANE Select); coding-DNA position 315 through 11 bases into the intron after coding-DNA position 320, 17 bases deleted (GTGCAGGTGGGTGGCCC).
Molecular consequence: splice donor variant.
Genome position (GRCh38, 1-based): chr22:20,985,892-20,985,908, GTGCAGGTGGGTGGCCC deleted. VCF-style (leftmost placement, unchanged base first): chr22-20985891-GGTGCAGGTGGGTGGCCC-G. GRCh37 (hg19) VCF-style: chr22-21340180-GGTGCAGGTGGGTGGCCC-G.
Identifiers: ClinVar variation 3869280 (VCV003869280.1).

ClinVar aggregate classification (germline): Likely pathogenic (1 of 4 stars; one submission).

Conditions:
Cardiovascular phenotype. Identifiers: MedGen CN230736.
Hereditary cancer-predisposing syndrome. Also called: Tumor predisposition; Neoplastic Syndromes, Hereditary; Hereditary Cancer Syndrome; Hereditary neoplastic syndrome. Identifiers: Orphanet 140162, MedGen C0027672, MeSH D009386, MONDO:0015356.

Submission:

Ambry Genetics
Classification: Likely pathogenic for Cardiovascular phenotype; Hereditary cancer-predisposing syndrome. Last evaluated: 2025-01-10. Review status: criteria provided, single submitter. Criteria: Ambry Variant Classification Scheme 2023. Collection method: clinical testing. Allele origin: germline.
Comment: The c.315_320+11del17 variant results from a deletion of 17 nucleotides between positions c.315 and c.320+11 and involves the canonical splice donor site after coding exon 3 of the LZTR1 gene. This variant is considered to be rare based on population cohorts in the Genome Aggregation Database (gnomAD). The canonical splice donor site is highly conserved in available vertebrate species. In silico splice site analysis predicts that this alteration will weaken the native splice donor site. RNA studies have demonstrated that this alteration results in abnormal splicing in the set of samples tested (Ambry internal data). Loss-of-function variants in LZTR1 are related to an increased risk for schwannomas and autosomal recessive Noonan syndrome; however, such associations with autosomal dominant Noonan syndrome have not been observed (Piotrowski A et al. Nat Genet. 2014 Feb;46:182-7; Yamamoto GL et al. J Med Genet. 2015 Jun;52:413-21; Johnston JJ et al. Genet Med. 2018 10;20:1175-1185). Based on the supporting evidence, this variant is likely pathogenic for an increased risk of LZTR1-related schwannomatosis (SWN) and would be expected to cause autosomal recessive Noonan syndrome when present along with a second pathogenic or likely pathogenic variant on the other allele; however, the association of this alteration with autosomal dominant Noonan syndrome is unlikely.